The following is an entry in ClinVar:

ClinVar aggregate classification (germline): Uncertain significance. Review status: criteria provided, multiple submitters, no conflicts (2 of 4 stars). 2 submissions from 2 submitters: Uncertain significance (2). Last evaluated 2024-10-24.

Conditions:
PIEZO1-related disorder. Also called: PIEZO1-Related Disorders; PIEZO1-related condition.
Inborn genetic diseases. Identifiers: MedGen C0950123, MeSH D030342.

Allele frequency attached by ClinVar (database versions not stated): gnomAD exomes 0.00001; TOPMed 0.00001; gnomAD 0.00002.
gnomAD v4.1: 23 of 1,535,338 alleles (0.0015%); highest among the groups gnomAD compares: Middle Eastern, 0.017%; no homozygotes.

Submissions (2):

Ambry Genetics
Classification: Uncertain significance for Inborn genetic diseases. Last evaluated: 2024-10-24. Review status: criteria provided, single submitter. Criteria: Ambry Variant Classification Scheme 2023. Collection method: clinical testing. Allele origin: germline.

PreventionGenetics, part of Exact Sciences
Classification: Uncertain significance for PIEZO1-related condition. Last evaluated: 2023-05-26. Review status: criteria provided, single submitter. Criteria: ACMG Guidelines, 2015. Collection method: clinical testing. Allele origin: germline.
Comment: The PIEZO1 c.353C>G variant is predicted to result in the amino acid substitution p.Ala118Gly. To our knowledge, this variant has not been reported in the literature. This variant is reported in 0.0044% of alleles in individuals of South Asian descent in gnomAD. At this time, the clinical significance of this variant is uncertain due to the absence of conclusive functional and genetic evidence.

NM_001142864.4(PIEZO1):c.353C>G (p.Ala118Gly)

Gene: PIEZO1 (piezo type mechanosensitive ion channel component 1 (Er blood group); minus strand). Cytogenetic location: 16q24.3.
Variant type: single nucleotide variant.
Coding change: c.353C>G on transcript NM_001142864.4 (MANE Select); coding-DNA position 353, C replaced by G.
Protein change: p.Ala118Gly; replaces alanine 118 with glycine.
Molecular consequence: missense variant.
Genome position (GRCh38, 1-based): chr16:88,741,590, G>C on the plus strand (C>G on the coding strand, the complement: PIEZO1 is on the minus strand). VCF-style: chr16-88741590-G-C. GRCh37 (hg19) VCF-style: chr16-88807998-G-C.
Other names: c.353C>G (NM_001142864.2); short protein forms A118G.
Identifiers: ClinVar variation 2628832 (VCV002628832.2), dbSNP rs1161679299, ClinGen allele CA397123964.